The following is an entry in ClinVar:

NM_024312.5(GNPTAB):c.10A>C (p.Lys4Gln)

Gene: GNPTAB (N-acetylglucosamine-1-phosphate transferase subunits alpha and beta; minus strand). Cytogenetic location: 12q23.2.
Variant type: single nucleotide variant.
Coding change: c.10A>C on transcript NM_024312.5 (MANE Select); coding-DNA position 10, A replaced by C.
Protein change: p.Lys4Gln; replaces lysine 4 with glutamine.
Molecular consequence: missense variant.
Genome position (GRCh38, 1-based): chr12:101,830,666, T>G on the plus strand (A>C on the coding strand, the complement: GNPTAB is on the minus strand). VCF-style: chr12-101830666-T-G. GRCh37 (hg19) VCF-style: chr12-102224444-T-G.
Other names: AY687932:c.10A>C; short protein forms K4Q.
Identifiers: ClinVar variation 2774 (VCV000002774.12), dbSNP rs34159654, ClinGen allele CA252414.

ClinVar aggregate classification (germline): Pathogenic. Review status: criteria provided, multiple submitters, no conflicts (2 of 4 stars). 6 submissions from 6 submitters: Pathogenic (3). 3 of the submissions do not count toward it. Last evaluated 2025-12-22.

Conditions:
Mucolipidosis type II. Also called: Mucolipidosis II Alpha/Beta; Mucolipidosis 2; ML 2; Inclusion cell disease; Leroy Disease; N-acetylglucosamine 1phosphotransferase deficiency. Identifiers: Orphanet 576, MedGen C2673377, MONDO:0009650, OMIM 252500.
Pseudo-Hurler polydystrophy. Also called: Type III Mucolipidosis; MUCOLIPIDOSIS IIIA; ML IIIA; Mucolipidosis III Alpha/Beta; ML III; ML III ALPHA/BETA. Identifiers: Orphanet 423461, Orphanet 577, MedGen C0033788, MONDO:0018931, OMIM 252600.
Mucopolysaccharidosis, MPS-III-A (MPS3A). Also called: Mucopolysaccharidosis, type IIIA; MPS III A; Mucopolysaccharidosis type IIIA (Sanfilippo A); SANFILIPPO SYNDROME A; SULFAMIDASE DEFICIENCY; mucopolysaccharidosis type 3A. Identifiers: Orphanet 581, Orphanet 79269, MedGen C0086647, MONDO:0009655, OMIM 252900.

Allele frequency attached by ClinVar (database versions not stated): ExAC 0.00003; 1000 Genomes Project 0.00020; gnomAD 0.00001; TOPMed 0.00001; gnomAD exomes 0.00002 and 0.00004; 1000 Genomes Project 30x 0.00016.
gnomAD v4.1: 57 of 1,590,974 alleles (0.0036%); highest among the groups gnomAD compares: Non-Finnish European, 0.0048%; no homozygotes.

Submissions (6):

Labcorp Genetics (formerly Invitae), Labcorp
Classification: Pathogenic for Pseudo-Hurler polydystrophy; Mucolipidosis type II. Last evaluated: 2025-12-22. Review status: criteria provided, single submitter. Criteria: Invitae Variant Classification Sherloc (09022015). Collection method: clinical testing. Allele origin: germline.
Comment: This sequence change replaces lysine, which is basic and polar, with glutamine, which is neutral and polar, at codon 4 of the GNPTAB protein (p.Lys4Gln). This variant is present in population databases (rs34159654, gnomAD 0.005%). This missense change has been observed in individual(s) with mucolipidosis (PMID: 24045841). In at least one individual the data is consistent with being in trans (on the opposite chromosome) from a pathogenic variant. It has also been observed to segregate with disease in related individuals. ClinVar contains an entry for this variant (Variation ID: 2774). Invitae Evidence Modeling of protein sequence and biophysical properties (such as structural, functional, and spatial information, amino acid conservation, physicochemical variation, residue mobility, and thermodynamic stability) has been performed for this missense variant. However, the output from this modeling did not meet the statistical confidence thresholds required to predict the impact of this variant on GNPTAB protein function. Experimental studies have shown that this missense change affects GNPTAB function (PMID: 23192343, 24550498). For these reasons, this variant has been classified as Pathogenic.

Natera, Inc.
Classification: Pathogenic for Mucolipidosis type II. Last evaluated: 2025-11-24. Review status: criteria provided, single submitter. Criteria: Natera Variant Classification Schema (03/2026). Collection method: clinical testing. Allele origin: germline.
Comment: The c.10A>C variant in GNPTAB is a missense variant predicted to cause substitution of lysine to glutamine at amino acid 4. This variant is rare in the general population with a frequency below the threshold expected for the associated phenotype(s). This variant has been observed in one or more individuals affected with the associated recessive disease, as either homozygous or compound heterozygous with a second variant (PMID: 34341521, 24045841). Additionally, this variant has been observed to segregate in affected family members (PMID: 24045841). Computational prediction algorithms indicate this variant is likely to affect gene or protein function. Given the available evidence, this variant is classified as Pathogenic.

Department of Pathology and Laboratory Medicine, Sinai Health System
Classification: Pathogenic for Mucolipidosis type II; Pseudo-Hurler polydystrophy. Last evaluated: 2023-05-26. Review status: criteria provided, single submitter. Criteria: ACMG Guidelines, 2015. Collection method: research. Allele origin: germline.

Counsyl
Classification: Likely pathogenic for Mucolipidosis type II; Pseudo-Hurler polydystrophy. Last evaluated: 2017-08-30. Review status: no assertion criteria provided. Collection method: clinical testing. Allele origin: unknown. Not counted in ClinVar's aggregate classification.

GeneReviews
Classification: Pathogenic for Mucolipidosis III Alpha/Beta. Last evaluated: 2012-05-10. Review status: no assertion criteria provided. Collection method: curation. Allele origin: unknown. Not counted in ClinVar's aggregate classification.
ClinVar note: Converted during submission from pathologic to Pathogenic.

OMIM
Classification: Pathogenic for MUCOLIPIDOSIS III ALPHA/BETA. Last evaluated: 2006-03-01. Review status: no assertion criteria provided. Collection method: literature only. Allele origin: germline. Not counted in ClinVar's aggregate classification.

Literature cited by the submitters: PubMed 24045841 (cited by 3 submitters); PubMed 23192343 (cited by Labcorp Genetics (formerly Invitae), Labcorp and Counsyl); PubMed 24550498 (cited by Labcorp Genetics (formerly Invitae), Labcorp and Counsyl); PubMed 34341521 (cited by Natera, Inc.); PubMed 25505245 (cited by Counsyl); PubMed 19617216 (cited by Counsyl); PubMed 16465621 (cited by Counsyl and OMIM); PubMed 19938078 (cited by Counsyl).